The following is an entry in ClinVar:

ClinVar aggregate classification (germline): Uncertain significance. Review status: criteria provided, multiple submitters, no conflicts (2 of 4 stars). 2 submissions from 2 submitters: Uncertain significance (2). Last evaluated 2024-10-19.

Conditions:
Inborn genetic diseases. Identifiers: MedGen C0950123, MeSH D030342.

Allele frequency attached by ClinVar (database versions not stated): gnomAD 0.00001.
gnomAD v4.1: 3 of 1,614,108 alleles (0.00019%); highest among the groups gnomAD compares: Admixed American, 0.005%; no homozygotes.

Submissions (2):

Ambry Genetics
Classification: Uncertain significance for Inborn genetic diseases. Last evaluated: 2024-10-19. Review status: criteria provided, single submitter. Criteria: Ambry Variant Classification Scheme 2023. Collection method: clinical testing. Allele origin: germline.

Labcorp Genetics (formerly Invitae), Labcorp
Classification: Uncertain significance. Last evaluated: 2024-07-22. Review status: criteria provided, single submitter. Criteria: Invitae Variant Classification Sherloc (09022015). Collection method: clinical testing. Allele origin: germline.
Comment: This sequence change replaces proline, which is neutral and non-polar, with histidine, which is basic and polar, at codon 121 of the TCF20 protein (p.Pro121His). This variant is present in population databases (no rsID available, gnomAD 0.003%). This variant has not been reported in the literature in individuals affected with TCF20-related conditions. ClinVar contains an entry for this variant (Variation ID: 1966556). An algorithm developed to predict the effect of missense changes on protein structure and function (PolyPhen-2) suggests that this variant is likely to be disruptive. In summary, the available evidence is currently insufficient to determine the role of this variant in disease. Therefore, it has been classified as a Variant of Uncertain Significance.

NM_001378418.1(TCF20):c.362C>A (p.Pro121His)

Gene: TCF20 (transcription factor 20; minus strand). Cytogenetic location: 22q13.2.
Variant type: single nucleotide variant.
Coding change: c.362C>A on transcript NM_001378418.1 (MANE Select); coding-DNA position 362, C replaced by A.
Protein change: p.Pro121His; replaces proline 121 with histidine.
Molecular consequence: missense variant.
Genome position (GRCh38, 1-based): chr22:42,214,944, G>T on the plus strand (C>A on the coding strand, the complement: TCF20 is on the minus strand). VCF-style: chr22-42214944-G-T. GRCh37 (hg19) VCF-style: chr22-42610950-G-T.
Other names: c.362C>A (NM_005650.1); c.362C>A, p.Pro121His (NM_005650.4, NM_181492.3); short protein forms P121H.
Identifiers: ClinVar variation 1966556 (VCV001966556.6), dbSNP rs1250624367, ClinGen allele CA411793175.